The following is an entry in ClinVar:

ClinVar aggregate classification (germline): Likely benign. Review status: criteria provided, multiple submitters, no conflicts (2 of 4 stars). 3 submissions from 3 submitters: Likely benign (2). 1 of the submissions does not count toward it. Last evaluated 2024-09-17.

Conditions:
PAX8-related disorder. Also called: PAX8-related condition.

Allele frequency attached by ClinVar (database versions not stated): gnomAD 0.00009 and 0.00010; gnomAD exomes 0.00009 and 0.00012; TOPMed 0.00011; 1000 Genomes Project 30x 0.00016; ExAC 0.00016; 1000 Genomes Project 0.00020.
gnomAD v4.1: 156 of 1,613,824 alleles (0.0097%); highest among the groups gnomAD compares: Middle Eastern, 0.033%; no homozygotes.

Submissions (3):

Blueprint Genetics
Classification: Likely benign. Last evaluated: 2024-09-17. Review status: criteria provided, single submitter. Criteria: ACMG Guidelines, 2015. Collection method: clinical testing. Allele origin: germline.

Labcorp Genetics (formerly Invitae), Labcorp
Classification: Likely benign. Last evaluated: 2019-12-31. Review status: criteria provided, single submitter. Criteria: Invitae Variant Classification Sherloc (09022015). Collection method: clinical testing. Allele origin: germline.

PreventionGenetics, part of Exact Sciences
Classification: Likely benign for PAX8-related condition. Last evaluated: 2020-01-31. Review status: no assertion criteria provided. Collection method: clinical testing. Allele origin: germline. Not counted in ClinVar's aggregate classification.
Comment: This variant is classified as likely benign based on ACMG/AMP sequence variant interpretation guidelines (Richards et al. 2015 PMID: 25741868, with internal and published modifications).

NM_003466.4(PAX8):c.708C>T (p.Leu236=)

Genes: PAX8 (paired box 8; minus strand), PAX8-AS1 (PAX8 antisense RNA 1; plus strand), LOC126806316 (P300/CBP strongly-dependent group 1 enhancer GRCh37_chr2:113998497-113999696; plus strand). Cytogenetic location: 2q14.1.
Variant type: single nucleotide variant.
Coding change: c.708C>T on transcript NM_003466.4 (MANE Select); coding-DNA position 708, C replaced by T.
Protein change: p.Leu236=; no amino-acid change (leucine 236 retained).
Molecular consequence: synonymous variant.
Genome position (GRCh38, 1-based): chr2:113,241,620, G>A on the plus strand (C>T on the coding strand, the complement: PAX8 is on the minus strand). VCF-style: chr2-113241620-G-A. GRCh37 (hg19) VCF-style: chr2-113999197-G-A.
Other names: c.708C>T, p.Leu236= (NM_013952.4, NM_013953.4, NM_013992.4).
Identifiers: ClinVar variation 771623 (VCV000771623.7), dbSNP rs528166239, ClinGen allele CA1840119.